The following is an entry in ClinVar:

ClinVar aggregate classification (germline): Uncertain significance (1 of 4 stars; one submission).

Conditions:
Intellectual developmental disorder with hypotonia and behavioral abnormalities. Identifiers: MedGen C5231489, MONDO:0032897, OMIM 618748.

Submission:

Foundation for Research in Genetics and Endocrinology, FRIGE's Institute of Human Genetics
Classification: Uncertain significance for Intellectual developmental disorder with hypotonia and behavioral abnormalities. Last evaluated: 2026-09-10. Review status: criteria provided, single submitter. Criteria: ACMG Guidelines, 2015. Collection method: clinical testing. Allele origin: germline. Inheritance: Autosomal dominant inheritance. Affected: yes. Observed: 1 variant allele, 1 heterozygote.
Comment: A heterozygous missense variant in exon 4 of the CDK8 gene that results in the amino acid substitution of Glutamine for Histidine at codon 140 (p.His140Gln) was detected. The observed variant has not been reported in the 1000 genomes, gnomAD (v3.1), gnomAD (v2.1) and topmed databases. The in silico predictions of the variant are possibly damaging by PolyPhen-2 and damaging by SIFT, LRT and CONDEL. The reference codon is conserved across species. In summary, the variant meets our criteria to be classified as variant of uncertain significance.

NM_001260.3(CDK8):c.420C>G (p.His140Gln)

Gene: CDK8 (cyclin dependent kinase 8; plus strand). Cytogenetic location: 13q12.13.
Variant type: single nucleotide variant.
Coding change: c.420C>G on transcript NM_001260.3 (MANE Select); coding-DNA position 420, C replaced by G.
Protein change: p.His140Gln; replaces histidine 140 with glutamine.
Molecular consequence: missense variant. On other transcripts: 5 prime UTR variant (1).
Genome position (GRCh38, 1-based): chr13:26,353,844, C>G. VCF-style: chr13-26353844-C-G. GRCh37 (hg19) VCF-style: chr13-26927981-C-G.
Other names: p.His140Gln; c.420C>G, p.His140Gln (NM_001318368.2); c.-42C>G (NM_001346501.2); short protein forms H140Q.
Identifiers: ClinVar variation 5021453 (VCV005021453.1).
Genomic context (GRCh38, chr13:26,353,844, plus strand): 5'-AGTTCAGTTACCTCGGGGAATGGTGAAGTCACTATTATATCAGATCCTAGATGGTATTCA[C>G]TACCTGCATGCTAACTGGGTGTTGCACAGAGATTTGGTAAGTTGACCTGTAATTGGTTTA-3'
Protein context (NP_001251.1, residues 130-150): SLLYQILDGI[His140Gln]YLHANWVLHR